The following is an entry in ClinVar:

ClinVar aggregate classification (germline): Uncertain significance (1 of 4 stars; one submission).

Conditions:
Ataxia-telangiectasia-like disorder (ATLD). Identifiers: MedGen C1858391, MONDO:0011457.

Submission:

Labcorp Genetics (formerly Invitae), Labcorp
Classification: Uncertain significance for Ataxia-telangiectasia-like disorder. Last evaluated: 2019-09-30. Review status: criteria provided, single submitter. Criteria: Invitae Variant Classification Sherloc (09022015). Collection method: clinical testing. Allele origin: germline.
Comment: In summary, the available evidence is currently insufficient to determine the role of this variant in disease. Therefore, it has been classified as a Variant of Uncertain Significance. Algorithms developed to predict the effect of sequence changes on RNA splicing suggest that this variant may create or strengthen a splice site, but this prediction has not been confirmed by published transcriptional studies. Algorithms developed to predict the effect of missense changes on protein structure and function (SIFT, PolyPhen-2, Align-GVGD) all suggest that this variant is likely to be tolerated, but these predictions have not been confirmed by published functional studies and their clinical significance is uncertain. This variant has not been reported in the literature in individuals with MRE11-related conditions. This sequence change replaces asparagine with serine at codon 617 of the MRE11 protein (p.Asn617Ser). The asparagine residue is moderately conserved and there is a small physicochemical difference between asparagine and serine. This variant is not present in population databases (ExAC no frequency).

NM_005591.4(MRE11):c.1850A>G (p.Asn617Ser)

Gene: MRE11 (MRE11 double strand break repair nuclease; minus strand). Cytogenetic location: 11q21.
Variant type: single nucleotide variant.
Coding change: c.1850A>G on transcript NM_005591.4 (MANE Select); coding-DNA position 1850, A replaced by G.
Protein change: p.Asn617Ser; replaces asparagine 617 with serine.
Molecular consequence: missense variant. On other transcripts: intron variant (1).
Genome position (GRCh38, 1-based): chr11:94,445,827, T>C on the plus strand (A>G on the coding strand, the complement: MRE11 is on the minus strand). VCF-style: chr11-94445827-T-C. GRCh37 (hg19) VCF-style: chr11-94178993-T-C.
Other names: c.1847A>G, p.Asn616Ser (NM_001330347.2); c.1783+1392A>G (NM_005590.4); short protein forms N617S, N616S.
Identifiers: ClinVar variation 967793 (VCV000967793.9), dbSNP rs774012780, ClinGen allele CA382366367.
Genomic context (GRCh38, chr11:94,445,827, plus strand): 5'-TAATGTTGGAATTTATAAATAATCACTTGCAGTCTATACTCACCATCTATAATAGACATA[T>C]TTCTAGATGCTGACACAGCAGTCTTTGAGTTCCTGCTACGGGTAGAAGTCTCCAGACCAG-3'
Protein context (NP_005582.1, residues 607-627): NSKTAVSASR[Asn617Ser]MSIIDAFKST